The following is an entry in ClinVar:

NM_014915.3(ANKRD26):c.3486G>C (p.Lys1162Asn)

Gene: ANKRD26 (ankyrin repeat domain containing 26; minus strand). Cytogenetic location: 10p12.1.
Variant type: single nucleotide variant.
Coding change: c.3486G>C on transcript NM_014915.3 (MANE Select); coding-DNA position 3486, G replaced by C.
Protein change: p.Lys1162Asn; replaces lysine 1162 with asparagine.
Molecular consequence: missense variant.
Genome position (GRCh38, 1-based): chr10:27,034,964, C>G on the plus strand (G>C on the coding strand, the complement: ANKRD26 is on the minus strand). VCF-style: chr10-27034964-C-G. GRCh37 (hg19) VCF-style: chr10-27323893-C-G.
Other names: c.3483G>C, p.Lys1161Asn (NM_001256053.2); short protein forms K1162N, K1161N.
Identifiers: ClinVar variation 3913531 (VCV003913531.1).
Genomic context (GRCh38, chr10:27,034,964, plus strand): 5'-ACTCTCAGCTTGAAGTTTTTGCACAATAGCATGAAACTGGTCTTGGATATTAATCACTGT[C>G]TTCTCTTTATTGTCAGCCTTGTTGTGGGCATCATCCAGTTGTTGTCGAAGCAACATATTC-3'
Protein context (NP_055730.2, residues 1152-1172): DAHNKADNKE[Lys1162Asn]TVINIQDQFH

ClinVar aggregate classification (germline): Uncertain significance (1 of 4 stars; one submission).

Conditions:
Inborn genetic diseases. Identifiers: MedGen C0950123, MeSH D030342.

Submission:

Ambry Genetics
Classification: Uncertain significance for Inborn genetic diseases. Last evaluated: 2025-03-31. Review status: criteria provided, single submitter. Criteria: Ambry Variant Classification Scheme 2023. Collection method: clinical testing. Allele origin: germline.
Comment: The p.K1162N variant (also known as c.3486G>C), located in coding exon 24 of the ANKRD26 gene, results from a G to C substitution at nucleotide position 3486. The lysine at codon 1162 is replaced by asparagine, an amino acid with similar properties. This amino acid position is conserved. In addition, this alteration is predicted to be tolerated by in silico analysis. Based on the available evidence, the clinical significance of this variant remains unclear.